The following is an entry in ClinVar:

ClinVar aggregate classification (germline): Uncertain significance (1 of 4 stars; one submission).

Conditions:
Congenital stationary night blindness autosomal dominant 3. Also called: NIGHT BLINDNESS, CONGENITAL STATIONARY, NOUGARET TYPE. Identifiers: Orphanet 215, MedGen C1864870, MONDO:0012497, OMIM 610444.

Submission:

Dubai Health Genomic Medicine Center, Dubai Health
Classification: Uncertain significance for Congenital stationary night blindness autosomal dominant 3. Last evaluated: 2020-11-08. Review status: criteria provided, single submitter. Criteria: ACMG Guidelines, 2015. Collection method: clinical testing. Allele origin: germline. Affected: yes.
Comment: The c.450-11G>T variant in the 3' splice region of GNAT1 has not been previously reported in individuals with night blindness or in large population studies such as the Genome Aggregation Database (gnomAD) and the Greater Middle East (GME) variome database. Computational tools do not suggest an impact to splicing and a pyrimidine base (C or T) at this position is within the splice consensus sequence. In summary additional information is needed to fully assess the clinical significance of this variant though based on the evidence above we lean more towards a likely benign role.

NM_144499.3(GNAT1):c.450-11G>T

Gene: GNAT1 (G protein subunit alpha transducin 1; plus strand). Cytogenetic location: 3p21.31.
Variant type: single nucleotide variant.
Coding change: c.450-11G>T on transcript NM_144499.3 (MANE Select); 11 bases into the intron before coding-DNA position 450, G replaced by T.
Molecular consequence: intron variant.
Genome position (GRCh38, 1-based): chr3:50,193,742, G>T. VCF-style: chr3-50193742-G-T. GRCh37 (hg19) VCF-style: chr3-50231175-G-T.
Other names: c.450-11G>T (NM_000172.4).
Identifiers: ClinVar variation 1301808 (VCV001301808.2), dbSNP rs2109139018, ClinGen allele CA2573052210.